The following is an entry in ClinVar:

ClinVar aggregate classification (germline): Benign. Review status: reviewed by expert panel (3 of 4 stars). 9 submissions from 9 submitters: Benign (1). 8 of the submissions do not count toward it. Last evaluated 2023-02-19.

Conditions:
APC-related disorder. Also called: APC-related condition.
Familial adenomatous polyposis 1 (FAP1). Also called: FAMILIAL ADENOMATOUS POLYPOSIS 1, ATTENUATED; POLYPOSIS, ADENOMATOUS INTESTINAL. Identifiers: MedGen C2713442, MONDO:0021056, OMIM 175100. Disease mechanism: loss of function.
Hereditary cancer-predisposing syndrome. Also called: Neoplastic Syndromes, Hereditary; Tumor predisposition; Hereditary Cancer Syndrome; Hereditary neoplastic syndrome. Identifiers: Orphanet 140162, MedGen C0027672, MeSH D009386, MONDO:0015356.
Classic or attenuated familial adenomatous polyposis. Identifiers: MedGen CN372698, MONDO:0021057.

Allele frequency attached by ClinVar (database versions not stated): gnomAD 0.00001; gnomAD exomes 0.00001; TOPMed 0.00001.
gnomAD v4.1: 5 of 1,613,712 alleles (0.00031%); highest among the groups gnomAD compares: African/African-American, 0.004%; no homozygotes.

Submissions (9):

ClinGen InSiGHT Hereditary Colorectal Cancer/Polyposis Variant Curation Expert Panel
Classification: Benign for Familial adenomatous polyposis 1. Last evaluated: 2023-02-19. Review status: reviewed by expert panel. Criteria: ClinGen InSiGHT HCCP VCEP ACMG Specifications APC V1. Collection method: curation. Allele origin: germline. Inheritance: Autosomal dominant inheritance.
Comment: The c.1746A>G (p.Glu582=) variant in APC is a synonymous (silent) variant that is not predicted to impact splicing (BP4, BP7). This variant has been observed in a heterozygous state in 12 unrelated healthy adult individuals worth 12 (more than 10) healthy individual points in total (BS2; Ambry internal data). The highest population minor allele frequency of this variant in gnomAD v2.1.1 (non-cancer) is 0.0001148 in African/African American population, which is higher than the ClinGen InSiGHT Hereditary Colorectal Cancer/Polyposis threshold (0.0001) for BS1, and therefore meets this criterion (BS1). In summary, this variant meets the criteria to be classified as Benign for FAP based on the ACMG/AMP criteria applied, as specified by the ClinGen InSiGHT Hereditary Colorectal Cancer/Polyposis Variant Curation Expert Panel: BS1, BS2, BP4, and BP7 (VCEP specifications version 1; date of approval: 12/12/2022).

Labcorp Genetics (formerly Invitae), Labcorp
Classification: Likely benign for Familial adenomatous polyposis 1. Last evaluated: 2026-01-28. Review status: criteria provided, single submitter. Criteria: Invitae Variant Classification Sherloc (09022015). Collection method: clinical testing. Allele origin: germline. Not counted in ClinVar's aggregate classification.

Myriad Genetics, Inc.
Classification: Benign for Familial adenomatous polyposis 1. Last evaluated: 2024-03-07. Review status: criteria provided, single submitter. Criteria: Myriad Autosomal Dominant, Autosomal Recessive and X-Linked Classification Criteria (2023). Collection method: clinical testing. Allele origin: unknown. Not counted in ClinVar's aggregate classification.
Comment: This variant is considered benign. This variant is a silent/synonymous amino acid change and it is not expected to impact splicing.

All of Us Research Program, National Institutes of Health
Classification: Likely benign for Classic or attenuated familial adenomatous polyposis. Last evaluated: 2023-12-13. Review status: criteria provided, single submitter. Criteria: ACMG Guidelines, 2015. Collection method: clinical testing. Allele origin: germline. Inheritance: Autosomal dominant inheritance. Observed: 3 variant alleles, 3 heterozygotes. Not counted in ClinVar's aggregate classification.
Comment: This study involves interpretation of variants in research participants for the purpose of population health screening. Participant phenotype was not available at the time of variant classification. Additional details can be found in publication PMID: 35346344, PMCID: PMC8962531

Genetic Services Laboratory, University of Chicago
Classification: Likely benign. Last evaluated: 2020-01-03. Review status: criteria provided, single submitter. Criteria: ACMG Guidelines, 2015. Collection method: clinical testing. Allele origin: germline. Affected: no. Not counted in ClinVar's aggregate classification.

Color Diagnostics, LLC DBA Color Health
Classification: Likely benign for Hereditary cancer-predisposing syndrome. Last evaluated: 2017-03-24. Review status: criteria provided, single submitter. Criteria: ACMG Guidelines, 2015. Collection method: clinical testing. Allele origin: germline. Not counted in ClinVar's aggregate classification.

GeneDx
Classification: Benign. Last evaluated: 2015-08-17. Review status: criteria provided, single submitter. Criteria: GeneDx Variant Classification Process June 2021. Collection method: clinical testing. Allele origin: germline. Affected: yes. Not counted in ClinVar's aggregate classification.

Ambry Genetics
Classification: Likely benign for Hereditary cancer-predisposing syndrome. Last evaluated: 2015-04-01. Review status: criteria provided, single submitter. Criteria: Ambry Variant Classification Scheme 2023. Collection method: clinical testing. Allele origin: germline. Not counted in ClinVar's aggregate classification.

PreventionGenetics, part of Exact Sciences
Classification: Likely benign for APC-related condition. Last evaluated: 2022-04-13. Review status: no assertion criteria provided. Collection method: clinical testing. Allele origin: germline. Not counted in ClinVar's aggregate classification.
Comment: This variant is classified as likely benign based on ACMG/AMP sequence variant interpretation guidelines (Richards et al. 2015 PMID: 25741868, with internal and published modifications).

NM_000038.6(APC):c.1746A>G (p.Glu582=)

Gene: APC (APC regulator of Wnt signaling pathway; plus strand). Cytogenetic location: 5q22.2.
Variant type: single nucleotide variant.
Coding change: c.1746A>G on transcript NM_000038.6 (MANE Select); coding-DNA position 1746, A replaced by G.
Protein change: p.Glu582=; no amino-acid change (glutamic acid 582 retained).
Molecular consequence: synonymous variant.
Genome position (GRCh38, 1-based): chr5:112,834,953, A>G. VCF-style: chr5-112834953-A-G. GRCh37 (hg19) VCF-style: chr5-112170650-A-G.
Other names: NM_000038.6(APC):c.1746A>G; p.Glu582=; c.1746A>G, p.Glu582= (NM_001127510.3, NM_001354895.2); c.1692A>G, p.Glu564= (NM_001127511.3); c.1800A>G, p.Glu600= (NM_001354896.2); c.1776A>G, p.Glu592= (NM_001354897.2); c.1671A>G, p.Glu557= (NM_001354898.2); c.1662A>G, p.Glu554= (NM_001354899.2); and 7 more.
Identifiers: ClinVar variation 231116 (VCV000231116.28), dbSNP rs876658969, ClinGen allele CA10578326.
Genomic context (GRCh38, chr5:112,834,953, plus strand): 5'-GTTAATGAGAGACAAATTCCAACTCTAATTAGATGACCCATATTCTGTTTCTTACTAGGA[A>G]TCAACCCTCAAAAGCGTATTGAGTGCCTTATGGAATTTGTCAGCACATTGCACTGAGAAT-3'
Protein context (NP_000029.2, residues 572-592): LMECALEVKK[Glu582=]STLKSVLSAL